The following is an entry in ClinVar:

ClinVar aggregate classification (germline): Benign/Likely benign. Review status: criteria provided, multiple submitters, no conflicts (2 of 4 stars). 10 submissions from 10 submitters: Benign (5); Likely benign (5). Last evaluated 2025-12-30.

Conditions:
Inborn genetic diseases. Identifiers: MedGen C0950123, MeSH D030342.
Cornelia de Lange syndrome 1 (CDLS1). Also called: Brachmann de Lange syndrome; NIPBL-Related Cornelia de Lange Syndrome; TYPUS DEGENERATIVUS AMSTELODAMENSIS. Identifiers: Orphanet 199, MedGen C4551851, MONDO:0007387, OMIM 122470.

Allele frequency attached by ClinVar (database versions not stated): gnomAD exomes 0.00014 and 0.00035; ExAC 0.00047; gnomAD 0.00134 and 0.00147; TOPMed 0.00165; ESP Exome Variant Server 0.00177; 1000 Genomes Project 30x 0.00203; 1000 Genomes Project 0.00220.
gnomAD v4.1: 417 of 1,613,796 alleles (0.026%); highest among the groups gnomAD compares: African/African-American, 0.49%; 2 homozygotes.

Submissions (10):

Labcorp Genetics (formerly Invitae), Labcorp
Classification: Benign for Cornelia de Lange syndrome 1. Last evaluated: 2025-12-30. Review status: criteria provided, single submitter. Criteria: Invitae Variant Classification Sherloc (09022015). Collection method: clinical testing. Allele origin: germline.

Blueprint Genetics
Classification: Likely benign. Last evaluated: 2024-05-29. Review status: criteria provided, single submitter. Criteria: ACMG Guidelines, 2015. Collection method: clinical testing. Allele origin: germline.

Fulgent Genetics
Classification: Likely benign for Cornelia de Lange syndrome 1. Last evaluated: 2021-09-02. Review status: criteria provided, single submitter. Criteria: ACMG Guidelines, 2015. Collection method: clinical testing. Allele origin: unknown.

Genome-Nilou Lab
Classification: Benign for Cornelia de Lange syndrome 1. Last evaluated: 2021-07-15. Review status: criteria provided, single submitter. Criteria: ACMG Guidelines, 2015. Collection method: clinical testing. Allele origin: germline. Affected: no.

GeneDx
Classification: Likely benign. Last evaluated: 2020-07-30. Review status: criteria provided, single submitter. Criteria: GeneDx Variant Classification Process June 2021. Collection method: clinical testing. Allele origin: germline. Affected: yes.

Illumina Laboratory Services, Illumina
Classification: Benign for Cornelia de Lange syndrome 1. Last evaluated: 2018-01-12. Review status: criteria provided, single submitter. Criteria: ICSL Variant Classification Criteria 13 December 2019. Collection method: clinical testing. Allele origin: germline.
Comment: This variant was observed in the ICSL laboratory as part of a predisposition screen in an ostensibly healthy population. It had not been previously curated by ICSL or reported in the Human Gene Mutation Database (HGMD: prior to June 1st, 2018), and was therefore a candidate for classification through an automated scoring system. Utilizing variant allele frequency, disease prevalence and penetrance estimates, and inheritance mode, an automated score was calculated to assess if this variant is too frequent to cause the disease. Based on the score and internal cut-off values, a variant classified as benign is not then subjected to further curation. The score for this variant resulted in a classification of benign for this disease.

Ambry Genetics
Classification: Likely benign for Inborn genetic diseases. Last evaluated: 2017-07-05. Review status: criteria provided, single submitter. Criteria: Ambry Variant Classification Scheme 2023. Collection method: clinical testing. Allele origin: germline.

Eurofins Ntd Llc (ga)
Classification: Benign. Last evaluated: 2014-01-16. Review status: criteria provided, single submitter. Criteria: EGL Classification Definitions 2015. Collection method: clinical testing. Allele origin: germline. Observed: 2 variant alleles, 2 heterozygotes.

Genetic Services Laboratory, University of Chicago
Classification: Benign. Last evaluated: 2013-02-08. Review status: criteria provided, single submitter. Criteria: ACMG Guidelines, 2007. Collection method: clinical testing. Allele origin: germline. Inheritance: Autosomal dominant inheritance.

Breakthrough Genomics
Classification: Likely benign. Review status: criteria provided, single submitter. Criteria: ACMG Guidelines, 2015. Collection method: not provided. Allele origin: germline. Inheritance: Autosomal dominant inheritance. Affected: yes.

NM_133433.4(NIPBL):c.294C>T (p.Ala98=)

Gene: NIPBL (NIPBL cohesin loading factor; plus strand). Cytogenetic location: 5p13.2.
Variant type: single nucleotide variant.
Coding change: c.294C>T on transcript NM_133433.4 (MANE Select); coding-DNA position 294, C replaced by T.
Protein change: p.Ala98=; no amino-acid change (alanine 98 retained).
Molecular consequence: synonymous variant.
Genome position (GRCh38, 1-based): chr5:36,958,167, C>T. VCF-style: chr5-36958167-C-T. GRCh37 (hg19) VCF-style: chr5-36958269-C-T.
Other names: c.294C>T, p.Ala98= (NM_015384.5).
Identifiers: ClinVar variation 159069 (VCV000159069.28), dbSNP rs142184978, ClinGen allele CA172681.
Genomic context (GRCh38, chr5:36,958,167, plus strand): 5'-GTTGAAAGATAACCTTGGCAGTGATGACCCAGAAGGTGACATACCAGTCTTGTTGCAGGC[C>T]GTCCTGGCAAGGAGTCCTAATGTTTTCAGGGAGAAAAGCATGCAGAACAGATATGTACAA-3'
Protein context (NP_597677.2, residues 88-108): PEGDIPVLLQ[Ala98=]VLARSPNVFR